The following is an entry in ClinVar:

ClinVar aggregate classification (germline): Uncertain significance (1 of 4 stars; one submission).

Conditions:
Nephronophthisis. Also called: Juvenile Nephronophthisis. Identifiers: Orphanet 655, MedGen C0687120, MONDO:0019005, HP:0000090.

Allele frequency attached by ClinVar (database versions not stated): gnomAD exomes below 0.00001; TOPMed 0.00001.
gnomAD v4.1: 1 of 1,597,270 alleles (0.000063%); no homozygotes.

Submission:

Labcorp Genetics (formerly Invitae), Labcorp
Classification: Uncertain significance for Nephronophthisis. Last evaluated: 2022-06-03. Review status: criteria provided, single submitter. Criteria: Invitae Variant Classification Sherloc (09022015). Collection method: clinical testing. Allele origin: germline.
Comment: This sequence change replaces glycine, which is neutral and non-polar, with alanine, which is neutral and non-polar, at codon 1285 of the NPHP4 protein (p.Gly1285Ala). The frequency data for this variant in the population databases is considered unreliable, as metrics indicate poor data quality at this position in the gnomAD database. This variant has not been reported in the literature in individuals affected with NPHP4-related conditions. ClinVar contains an entry for this variant (Variation ID: 963174). Algorithms developed to predict the effect of missense changes on protein structure and function output the following: SIFT: "Tolerated"; PolyPhen-2: "Benign"; Align-GVGD: "Class C0". The alanine amino acid residue is found in multiple mammalian species, which suggests that this missense change does not adversely affect protein function. In summary, the available evidence is currently insufficient to determine the role of this variant in disease. Therefore, it has been classified as a Variant of Uncertain Significance.

NM_015102.5(NPHP4):c.3854G>C (p.Gly1285Ala)

Gene: NPHP4 (nephrocystin 4; minus strand). Cytogenetic location: 1p36.31.
Variant type: single nucleotide variant.
Coding change: c.3854G>C on transcript NM_015102.5 (MANE Select); coding-DNA position 3854, G replaced by C.
Protein change: p.Gly1285Ala; replaces glycine 1285 with alanine.
Molecular consequence: missense variant. On other transcripts: non-coding transcript variant (1).
Genome position (GRCh38, 1-based): chr1:5,864,480, C>G on the plus strand (G>C on the coding strand, the complement: NPHP4 is on the minus strand). VCF-style: chr1-5864480-C-G. GRCh37 (hg19) VCF-style: chr1-5924540-C-G.
Other names: c.2315G>C, p.Gly772Ala (NM_001291593.2); c.2318G>C, p.Gly773Ala (NM_001291594.2); short protein forms G1285A, G773A, G772A.
Identifiers: ClinVar variation 963174 (VCV000963174.7), dbSNP rs1192199886, ClinGen allele CA338049847.